The following is an entry in ClinVar:

ClinVar aggregate classification (germline): Uncertain significance. Review status: criteria provided, multiple submitters, no conflicts (2 of 4 stars). 2 submissions from 2 submitters: Uncertain significance (2). Last evaluated 2025-06-18.

Conditions:
Cardiovascular phenotype. Identifiers: MedGen CN230736.
Hypertrophic cardiomyopathy. Also called: HYPERTROPHIC MYOCARDIOPATHY. Identifiers: Orphanet 217569, MedGen C0007194, MeSH D002312, MONDO:0005045, HP:0001639.

Allele frequency attached by ClinVar (database versions not stated): gnomAD exomes below 0.00001 and 0.00002; TOPMed 0.00001.

Submissions (2):

Labcorp Genetics (formerly Invitae), Labcorp
Classification: Uncertain significance for Hypertrophic cardiomyopathy. Last evaluated: 2025-06-18. Review status: criteria provided, single submitter. Criteria: Invitae Variant Classification Sherloc (09022015). Collection method: clinical testing. Allele origin: germline.
Comment: This sequence change replaces glutamic acid, which is acidic and polar, with lysine, which is basic and polar, at codon 593 of the JPH2 protein (p.Glu593Lys). This variant is present in population databases (no rsID available, gnomAD 0.01%). This variant has not been reported in the literature in individuals affected with JPH2-related conditions. ClinVar contains an entry for this variant (Variation ID: 1413721). An algorithm developed to predict the effect of missense changes on protein structure and function (PolyPhen-2) suggests that this variant is likely to be tolerated. In summary, the available evidence is currently insufficient to determine the role of this variant in disease. Therefore, it has been classified as a Variant of Uncertain Significance.

Ambry Genetics
Classification: Uncertain significance for Cardiovascular phenotype. Last evaluated: 2024-11-18. Review status: criteria provided, single submitter. Criteria: Ambry Variant Classification Scheme 2023. Collection method: clinical testing. Allele origin: germline.
Comment: The p.E593K variant (also known as c.1777G>A), located in coding exon 4 of the JPH2 gene, results from a G to A substitution at nucleotide position 1777. The glutamic acid at codon 593 is replaced by lysine, an amino acid with similar properties. This amino acid position is conserved. In addition, this alteration is predicted to be tolerated by in silico analysis. Based on the available evidence, the clinical significance of this variant remains unclear.

NM_020433.5(JPH2):c.1777G>A (p.Glu593Lys)

Gene: JPH2 (junctophilin 2; minus strand). Cytogenetic location: 20q13.12.
Variant type: single nucleotide variant.
Coding change: c.1777G>A on transcript NM_020433.5 (MANE Select); coding-DNA position 1777, G replaced by A.
Protein change: p.Glu593Lys; replaces glutamic acid 593 with lysine.
Molecular consequence: missense variant.
Genome position (GRCh38, 1-based): chr20:44,115,898, C>T on the plus strand (G>A on the coding strand, the complement: JPH2 is on the minus strand). VCF-style: chr20-44115898-C-T. GRCh37 (hg19) VCF-style: chr20-42744538-C-T.
Other names: c.1777G>A (NM_020433.4); short protein forms E593K.
Identifiers: ClinVar variation 1413721 (VCV001413721.9), dbSNP rs1160134535, ClinGen allele CA409099945.